The following is an entry in ClinVar:

ClinVar aggregate classification (germline): Benign/Likely benign. Review status: criteria provided, multiple submitters, no conflicts (2 of 4 stars). 3 submissions from 3 submitters: Benign (1); Likely benign (2). Last evaluated 2026-06-11.

Conditions:
Inborn genetic diseases. Identifiers: MedGen C0950123, MeSH D030342.
Tumor predisposition syndrome 2 (TPDS2). Also called: MBD4-ASSOCIATED NEOPLASIA SYNDROME; MBD4-Related Tumor Predisposition Syndrome; MBD4-associated neoplasia syndrome (MANS). Identifiers: Orphanet 661526, MedGen C5774186, MONDO:0859267, OMIM 619975.

Allele frequency attached by ClinVar (database versions not stated): ExAC 0.00001; gnomAD 0.00001; TOPMed 0.00001.
gnomAD v4.1: 10 of 1,614,078 alleles (0.00062%); highest among the groups gnomAD compares: Middle Eastern, 0.016%; no homozygotes.

Submissions (3):

Myriad Genetics, Inc.
Classification: Benign for Tumor predisposition syndrome 2. Last evaluated: 2026-06-11. Review status: criteria provided, single submitter. Criteria: Myriad Autosomal Dominant, Autosomal Recessive and X-Linked Classification Criteria (2023). Collection method: clinical testing. Allele origin: unknown.
Comment: This variant is considered benign. This variant is a silent/synonymous amino acid change and it is not expected to impact splicing.

Ambry Genetics
Classification: Likely benign for Inborn genetic diseases. Last evaluated: 2024-12-04. Review status: criteria provided, single submitter. Criteria: Ambry Variant Classification Scheme 2023. Collection method: clinical testing. Allele origin: germline.

Labcorp Genetics (formerly Invitae), Labcorp
Classification: Likely benign. Last evaluated: 2024-11-26. Review status: criteria provided, single submitter. Criteria: Invitae Variant Classification Sherloc (09022015). Collection method: clinical testing. Allele origin: germline.

NM_001276270.2(MBD4):c.1509C>T (p.Tyr503=)

Gene: MBD4 (methyl-CpG binding domain 4, DNA glycosylase; minus strand). Cytogenetic location: 3q21.3.
Variant type: single nucleotide variant.
Coding change: c.1509C>T on transcript NM_001276270.2 (MANE Select); coding-DNA position 1509, C replaced by T.
Protein change: p.Tyr503=; no amino-acid change (tyrosine 503 retained).
Molecular consequence: synonymous variant.
Genome position (GRCh38, 1-based): chr3:129,433,132, G>A on the plus strand (C>T on the coding strand, the complement: MBD4 is on the minus strand). VCF-style: chr3-129433132-G-A. GRCh37 (hg19) VCF-style: chr3-129151975-G-A.
Other names: c.1527C>T, p.Tyr509= (NM_001276271.2, NM_001276272.2, NM_003925.3); c.573C>T, p.Tyr191= (NM_001276273.2).
Identifiers: ClinVar variation 2783577 (VCV002783577.5), dbSNP rs777551148, ClinGen allele CA2605280.